The following is an entry in ClinVar:

NM_006514.4(SCN10A):c.2334G>C (p.Lys778Asn)

Gene: SCN10A (sodium voltage-gated channel alpha subunit 10; minus strand). Cytogenetic location: 3p22.2.
Variant type: single nucleotide variant.
Coding change: c.2334G>C on transcript NM_006514.4 (MANE Select); coding-DNA position 2334, G replaced by C.
Protein change: p.Lys778Asn; replaces lysine 778 with asparagine.
Molecular consequence: missense variant.
Genome position (GRCh38, 1-based): chr3:38,728,848, C>G on the plus strand (G>C on the coding strand, the complement: SCN10A is on the minus strand). VCF-style: chr3-38728848-C-G. GRCh37 (hg19) VCF-style: chr3-38770339-C-G.
Other names: c.2334G>C, p.Lys778Asn (NM_001293306.2); c.2040G>C, p.Lys680Asn (NM_001293307.2); short protein forms K778N, K680N.
Identifiers: ClinVar variation 1789760 (VCV001789760.2), dbSNP rs2470681249, ClinGen allele CA352161141.

ClinVar aggregate classification (germline): Uncertain significance (1 of 4 stars; one submission).

Conditions:
Cardiovascular phenotype. Identifiers: MedGen CN230736.

Submission:

Ambry Genetics
Classification: Uncertain significance for Cardiovascular phenotype. Last evaluated: 2019-08-30. Review status: criteria provided, single submitter. Criteria: Ambry Variant Classification Scheme 2023. Collection method: clinical testing. Allele origin: germline.
Comment: The p.K778N variant (also known as c.2334G>C), located in coding exon 15 of the SCN10A gene, results from a G to C substitution at nucleotide position 2334. The lysine at codon 778 is replaced by asparagine, an amino acid with similar properties. This amino acid position is highly conserved in available vertebrate species. In addition, the in silico prediction for this alteration is inconclusive. Since supporting evidence is limited at this time, the clinical significance of this alteration remains unclear.